The following is an entry in ClinVar:

ClinVar aggregate classification (germline): Uncertain significance. Review status: criteria provided, single submitter (1 of 4 stars). 2 submissions from 2 submitters: Uncertain significance (1). 1 of the submissions does not count toward it. Last evaluated 2024-11-06.

Conditions:
Inborn genetic diseases. Identifiers: MedGen C0950123, MeSH D030342.
PCSK1-related disorder. Also called: PCSK1-related condition.

Allele frequency attached by ClinVar (database versions not stated): gnomAD exomes below 0.00001; ExAC 0.00002; gnomAD 0.00003; TOPMed 0.00003.
gnomAD v4.1: 10 of 1,613,966 alleles (0.00062%); highest among the groups gnomAD compares: African/African-American, 0.0067%; no homozygotes.

Submissions (2):

Ambry Genetics
Classification: Uncertain significance for Inborn genetic diseases. Last evaluated: 2024-11-06. Review status: criteria provided, single submitter. Criteria: Ambry Variant Classification Scheme 2023. Collection method: clinical testing. Allele origin: germline.

PreventionGenetics, part of Exact Sciences
Classification: Uncertain significance for PCSK1-related condition. Last evaluated: 2024-03-06. Review status: no assertion criteria provided. Collection method: clinical testing. Allele origin: germline. Not counted in ClinVar's aggregate classification.
Comment: The PCSK1 c.1063T>C variant is predicted to result in the amino acid substitution p.Tyr355His. This variant was observed in a cohort of individuals with obesity, and in vitro functional studies showed function similar to wild-type levels (Supplemental Data Set, Shah et al. 2023. PubMed ID: 36864747). This variant is reported in 0.0087% of alleles in individuals of Latino descent in gnomAD. At this time, the clinical significance of this variant is uncertain due to the absence of conclusive functional and genetic evidence.

NM_000439.5(PCSK1):c.1063T>C (p.Tyr355His)

Genes: CAST (calpastatin; plus strand), PCSK1 (proprotein convertase subtilisin/kexin type 1; minus strand), LOC101929710 (uncharacterized LOC101929710; plus strand). Cytogenetic location: 5q15.
Variant type: single nucleotide variant.
Coding change: c.1063T>C on transcript NM_000439.5 (MANE Select); coding-DNA position 1063, T replaced by C.
Protein change: p.Tyr355His; replaces tyrosine 355 with histidine.
Molecular consequence: missense variant.
Genome position (GRCh38, 1-based): chr5:96,410,806, A>G on the plus strand (T>C on the coding strand, the complement: PCSK1 is on the minus strand). VCF-style: chr5-96410806-A-G. GRCh37 (hg19) VCF-style: chr5-95746510-A-G.
Other names: c.922T>C, p.Tyr308His (NM_001177875.2); short protein forms Y308H, Y355H.
Identifiers: ClinVar variation 2266894 (VCV002266894.5), dbSNP rs757826037, ClinGen allele CA3350315.
Genomic context (GRCh38, chr5:96,410,806, plus strand): 5'-CAGAGAGAATTAGACAAAAGCAACATACGATTCTCTGGTCGGTGTAATCTCCGCTGCTGT[A>G]AGAGGTGGCCAGTGTGGAGGAGCACTTCTCAGCGTACCAGGGGGATAGGCCTTGCTGGGA-3'
Protein context (NP_000430.3, residues 345-365): EKCSSTLATS[Tyr355His]SSGDYTDQRI